The following is an entry in ClinVar:

NM_001330260.2(SCN8A):c.3373-8G>A

Gene: SCN8A (sodium voltage-gated channel alpha subunit 8; plus strand). Cytogenetic location: 12q13.13.
Variant type: single nucleotide variant.
Coding change: c.3373-8G>A on transcript NM_001330260.2 (MANE Select); 8 bases into the intron before coding-DNA position 3373, G replaced by A.
Molecular consequence: intron variant.
Genome position (GRCh38, 1-based): chr12:51,769,860, G>A. VCF-style: chr12-51769860-G-A. GRCh37 (hg19) VCF-style: chr12-52163644-G-A.
Other names: c.3373-8G>A (NM_014191.4, NM_001177984.3, NM_001369788.1).
Identifiers: ClinVar variation 569401 (VCV000569401.8), dbSNP rs1275858718, ClinGen allele CA605046542.

ClinVar aggregate classification (germline): Conflicting classifications of pathogenicity. Review status: criteria provided, conflicting classifications (1 of 4 stars). 2 submissions from 2 submitters: Uncertain significance (1); Likely benign (1). Last evaluated 2024-07-08.

Conditions:
Early-infantile DEE. Also called: Ohtahara syndrome; Early infantile epileptic encephalopathy; Early infantile epileptic encephalopathy with suppression bursts. Identifiers: Orphanet 1934, MedGen C0393706, MONDO:0800491.

Allele frequency attached by ClinVar (database versions not stated): gnomAD exomes 0.00001; TOPMed 0.00002; gnomAD 0.00003 and 0.00004.
gnomAD v4.1: 10 of 1,571,968 alleles (0.00064%); highest among the groups gnomAD compares: East Asian, 0.0046%; no homozygotes.

Submissions (2):

Labcorp Genetics (formerly Invitae), Labcorp
Classification: Likely benign for Early-infantile DEE. Last evaluated: 2024-07-08. Review status: criteria provided, single submitter. Criteria: Invitae Variant Classification Sherloc (09022015). Collection method: clinical testing. Allele origin: germline.

Laboratorio de Genetica e Diagnostico Molecular, Hospital Israelita Albert Einstein
Classification: Uncertain significance. Last evaluated: 2019-10-29. Review status: criteria provided, single submitter. Criteria: ACMG Guidelines, 2015. Collection method: clinical testing. Allele origin: germline. Affected: yes.
Comment: ACMG classification criteria: PM2